The following is an entry in ClinVar:

ClinVar aggregate classification (germline): Likely pathogenic (1 of 4 stars; one submission).

Conditions:
Severe combined immunodeficiency, autosomal recessive, T cell-negative, B cell-negative, NK cell-positive. Also called: Severe combined immunodeficiency due to complete RAG1/2 deficiency; SCID, T CELL-NEGATIVE, B CELL-NEGATIVE, NK CELL-POSITIVE; SCID, AR, T-cell negative, B-cell negative, NK cell-positive. Identifiers: Orphanet 331206, MedGen C1832322, MONDO:0011086, OMIM 601457.

Submission:

MGZ Medical Genetics Center
Classification: Likely pathogenic for Severe combined immunodeficiency, autosomal recessive, T cell-negative, B cell-negative, NK cell-positive. Last evaluated: 2022-05-02. Review status: criteria provided, single submitter. Criteria: ACMG Guidelines, 2015. Collection method: clinical testing. Allele origin: germline. Affected: yes. Observed: 1 variant allele.
Comment: ACMG criteria applied: PS3_MOD, PM3, PM2_SUP, PP3

NM_000448.3(RAG1):c.1073G>A (p.Cys358Tyr)

Gene: RAG1 (recombination activating 1; plus strand). Cytogenetic location: 11p12.
Variant type: single nucleotide variant.
Coding change: c.1073G>A on transcript NM_000448.3 (MANE Select); coding-DNA position 1073, G replaced by A.
Protein change: p.Cys358Tyr; replaces cysteine 358 with tyrosine.
Molecular consequence: missense variant.
Genome position (GRCh38, 1-based): chr11:36,574,377, G>A. VCF-style: chr11-36574377-G-A. GRCh37 (hg19) VCF-style: chr11-36595927-G-A.
Other names: c.1073G>A, p.Cys358Tyr (NM_001377277.1, NM_001377278.1, NM_001377279.1 and 1 more transcripts); short protein forms C358Y.
Identifiers: ClinVar variation 1709394 (VCV001709394.2), dbSNP rs757001983, ClinGen allele CA380151173.